The following is an entry in ClinVar:

ClinVar aggregate classification (germline): Conflicting classifications of pathogenicity. Review status: criteria provided, conflicting classifications (1 of 4 stars). 4 submissions from 3 submitters: Uncertain significance (1); Benign (1); Likely benign (2). Last evaluated 2025-08-14.

Conditions:
Familial hemiplegic migraine. Identifiers: MedGen C0338484, MONDO:0000700.
Alternating hemiplegia of childhood 1 (AHC1). Identifiers: Orphanet 2131, MedGen C3549447, MONDO:0007087, OMIM 104290.
Migraine, familial hemiplegic, 2. Identifiers: Orphanet 569, MedGen C1865322, MONDO:0011232, OMIM 602481.

Allele frequency attached by ClinVar (database versions not stated): gnomAD 0.00001 and 0.00003; gnomAD exomes 0.00003 and 0.00004; ExAC 0.00005; TOPMed 0.00005; 1000 Genomes Project 30x 0.00016; 1000 Genomes Project 0.00020.
gnomAD v4.1: 53 of 1,613,784 alleles (0.0033%); highest among the groups gnomAD compares: East Asian, 0.0089%; no homozygotes.

Submissions (4):

Labcorp Genetics (formerly Invitae), Labcorp
Classification: Likely benign for Familial hemiplegic migraine. Last evaluated: 2025-08-14. Review status: criteria provided, single submitter. Criteria: Invitae Variant Classification Sherloc (09022015). Collection method: clinical testing. Allele origin: germline.

Blueprint Genetics
Classification: Likely benign. Last evaluated: 2024-02-21. Review status: criteria provided, single submitter. Criteria: ACMG Guidelines, 2015. Collection method: clinical testing. Allele origin: germline.

Illumina Laboratory Services, Illumina
Classification: Benign for Alternating hemiplegia of childhood 1. Last evaluated: 2018-01-13. Review status: criteria provided, single submitter. Criteria: ICSL Variant Classification Criteria 13 December 2019. Collection method: clinical testing. Allele origin: germline.
Comment: This variant was observed in the ICSL laboratory as part of a predisposition screen in an ostensibly healthy population. It had not been previously curated by ICSL or reported in the Human Gene Mutation Database (HGMD: prior to June 1st, 2018), and was therefore a candidate for classification through an automated scoring system. Utilizing variant allele frequency, disease prevalence and penetrance estimates, and inheritance mode, an automated score was calculated to assess if this variant is too frequent to cause the disease. Based on the score and internal cut-off values, a variant classified as benign is not then subjected to further curation. The score for this variant resulted in a classification of benign for this disease.

Illumina Laboratory Services, Illumina
Classification: Uncertain significance for Migraine, familial hemiplegic, 2. Last evaluated: 2018-01-13. Review status: criteria provided, single submitter. Criteria: ICSL Variant Classification Criteria 13 December 2019. Collection method: clinical testing. Allele origin: germline.

NM_000702.4(ATP1A2):c.2563+15G>A

Gene: ATP1A2 (ATPase Na+/K+ transporting subunit alpha 2; plus strand). Cytogenetic location: 1q23.2.
Variant type: single nucleotide variant.
Coding change: c.2563+15G>A on transcript NM_000702.4 (MANE Select); 15 bases into the intron after coding-DNA position 2563, G replaced by A.
Molecular consequence: intron variant.
Genome position (GRCh38, 1-based): chr1:160,136,385, G>A. VCF-style: chr1-160136385-G-A. GRCh37 (hg19) VCF-style: chr1-160106175-G-A.
Identifiers: ClinVar variation 876691 (VCV000876691.12), dbSNP rs528454399, ClinGen allele CA1194778.